The following is an entry in ClinVar:

NM_001283009.2(RTEL1):c.3193G>A (p.Ala1065Thr)

Genes: RTEL1 (regulator of telomere elongation helicase 1; plus strand), RTEL1-TNFRSF6B (RTEL1-TNFRSF6B readthrough (NMD candidate); plus strand). Cytogenetic location: 20q13.33.
Variant type: single nucleotide variant.
Coding change: c.3193G>A on transcript NM_001283009.2 (MANE Select); coding-DNA position 3193, G replaced by A.
Protein change: p.Ala1065Thr; replaces alanine 1065 with threonine.
Molecular consequence: missense variant. On other transcripts: non-coding transcript variant (1).
Genome position (GRCh38, 1-based): chr20:63,694,824, G>A. VCF-style: chr20-63694824-G-A. GRCh37 (hg19) VCF-style: chr20-62326177-G-A.
Other names: c.2524G>A, p.Ala842Thr (NM_001283010.1); c.3193G>A, p.Ala1065Thr (NM_016434.4); c.3265G>A, p.Ala1089Thr (NM_032957.5); short protein forms A842T, A1065T, A1089T.
Identifiers: ClinVar variation 4790534 (VCV004790534.1).

ClinVar aggregate classification (germline): Uncertain significance (1 of 4 stars; one submission).

Conditions:
Dyskeratosis congenita, autosomal recessive 5 (DKCB5). Identifiers: MedGen C3554656, MONDO:0014076, OMIM 615190.
Pulmonary fibrosis and/or bone marrow failure, Telomere-related, 3. Also called: PULMONARY FIBROSIS AND/OR BONE MARROW FAILURE SYNDROME, TELOMERE-RELATED, 3. Identifiers: Orphanet 2032, MedGen C4225346, MONDO:0014613, OMIM 616373.

gnomAD v4.1: 1 of 1,612,422 alleles (0.000062%); highest among the groups gnomAD compares: African/African-American, 0.0013%; no homozygotes.

Submission:

Labcorp Genetics (formerly Invitae), Labcorp
Classification: Uncertain significance for Dyskeratosis congenita, autosomal recessive 5; Pulmonary fibrosis and/or bone marrow failure, Telomere-related, 3. Last evaluated: 2025-10-14. Review status: criteria provided, single submitter. Criteria: Invitae Variant Classification Sherloc (09022015). Collection method: clinical testing. Allele origin: germline.
Comment: This sequence change replaces alanine, which is neutral and non-polar, with threonine, which is neutral and polar, at codon 1065 of the RTEL1 protein (p.Ala1065Thr). This variant is not present in population databases (gnomAD no frequency). This variant has not been reported in the literature in individuals affected with RTEL1-related conditions. An algorithm developed to predict the effect of missense changes on protein structure and function (PolyPhen-2) suggests that this variant is likely to be tolerated. In summary, the available evidence is currently insufficient to determine the role of this variant in disease. Therefore, it has been classified as a Variant of Uncertain Significance.